The following is an entry in ClinVar:

ClinVar aggregate classification (germline): Uncertain significance (1 of 4 stars; one submission).

gnomAD v4.1: 1 of 1,613,202 alleles (0.000062%); highest among the groups gnomAD compares: Non-Finnish European, 0.000085%; no homozygotes.

Submission:

OLLIN Analises Genomicas, OLLIN
Classification: Uncertain significance. Last evaluated: 2026-08-06. Review status: criteria provided, single submitter. Criteria: ACMG Guidelines 2015 PMID 25741868. Collection method: clinical testing. Allele origin: germline.
Comment: This variant, located at the canonical splicing site (splice acceptor), has been observed in gnomAD with an allele frequency of 0.000062%, but has not been reported in ClinVar or identified in the literature. This variant is predicted to disrupt a canonical splice site, potentially leading to exon skipping, mRNA degradation via nonsense-mediated decay (NMD), or production of a truncated protein. According to the currently available evidence, this variant has been classified as uncertain significance (PVS1_S, PM2_P).

NM_022726.4(ELOVL4):c.101-1G>A

Gene: ELOVL4 (ELOVL fatty acid elongase 4; minus strand). Cytogenetic location: 6q14.1.
Variant type: single nucleotide variant.
Coding change: c.101-1G>A on transcript NM_022726.4 (MANE Select); the canonical splice acceptor site of the intron before coding-DNA position 101, G replaced by A.
Molecular consequence: splice acceptor variant.
Genome position (GRCh38, 1-based): chr6:79,926,382, C>T on the plus strand (G>A on the coding strand, the complement: ELOVL4 is on the minus strand). VCF-style: chr6-79926382-C-T. GRCh37 (hg19) VCF-style: chr6-80636099-C-T.
Identifiers: ClinVar variation 5003182 (VCV005003182.1).